The following is an entry in ClinVar:

ClinVar aggregate classification (germline): Pathogenic/Likely pathogenic. Review status: criteria provided, multiple submitters, no conflicts (2 of 4 stars). 3 submissions from 3 submitters: Pathogenic (2); Likely pathogenic (1). Last evaluated 2023-12-28.

Conditions:
Nephronophthisis. Also called: Juvenile Nephronophthisis. Identifiers: Orphanet 655, MedGen C0687120, MONDO:0019005, HP:0000090.
Joubert syndrome with renal defect. Also called: JOUBERT SYNDROME 4. Identifiers: Orphanet 220497, MedGen C1846790, MONDO:0012308, OMIM 609583.

Submissions (3):

Baylor Genetics
Classification: Likely pathogenic for Joubert syndrome with renal defect. Last evaluated: 2023-12-28. Review status: criteria provided, single submitter. Criteria: ACMG Guidelines, 2015. Collection method: clinical testing. Allele origin: unknown.

Labcorp Genetics (formerly Invitae), Labcorp
Classification: Pathogenic for Nephronophthisis. Last evaluated: 2022-01-13. Review status: criteria provided, single submitter. Criteria: Invitae Variant Classification Sherloc (09022015). Collection method: clinical testing. Allele origin: germline.
Comment: This sequence change creates a premature translational stop signal (p.Leu396Serfs*19) in the NPHP1 gene. It is expected to result in an absent or disrupted protein product. Loss-of-function variants in NPHP1 are known to be pathogenic (PMID: 23559409). For these reasons, this variant has been classified as Pathogenic. ClinVar contains an entry for this variant (Variation ID: 92716). This variant has not been reported in the literature in individuals affected with NPHP1-related conditions. This variant is not present in population databases (gnomAD no frequency).

Eurofins Ntd Llc (ga)
Classification: Pathogenic. Last evaluated: 2013-01-21. Review status: criteria provided, single submitter. Criteria: EGL Classification Definitions. Collection method: clinical testing. Allele origin: germline. Observed: 1 variant allele, 1 homozygote.

Literature cited by the submitters: PubMed 23559409 (cited by Labcorp Genetics (formerly Invitae), Labcorp); PubMed 23757202 (cited by Eurofins Ntd Llc (ga)).

NM_001128178.3(NPHP1):c.1016dup (p.Leu340fs)

Gene: NPHP1 (nephrocystin 1; minus strand). Cytogenetic location: 2q13.
Variant type: Duplication.
Coding change: c.1016dup on transcript NM_001128178.3 (MANE Select); coding-DNA position 1016, one base duplicated (C; older notation c.1016dupC).
Protein change: p.Leu340fs; shifts the reading frame from leucine 340.
Molecular consequence: frameshift variant.
Genome position (GRCh38, 1-based): chr2:110,160,194, G duplicated on the plus strand (C on the coding strand, the reverse complement: NPHP1 is on the minus strand); the first of 2 consecutive G bases (chr2:110,160,194-110,160,195); duplicating either gives the same sequence. VCF-style (leftmost placement, unchanged base first): chr2-110160193-A-AG. GRCh37 (hg19) VCF-style: chr2-110917770-A-AG.
Other names: c.1184dup (NM_000272.3); c.1184dup, p.Leu396fs (NM_000272.5); c.827dup, p.Leu277fs (NM_001128179.3); c.1013dup, p.Leu339fs (NM_001374256.1); c.1016dup, p.Leu340fs (NM_001374257.1); c.1181dup, p.Leu395fs (NM_207181.4); short protein forms L277fs, L340fs, L395fs, L396fs, L339fs.
Identifiers: ClinVar variation 92716 (VCV000092716.14), dbSNP rs398123285, ClinGen allele CA220567.